The following is an entry in ClinVar:

NC_000016.9:g.(?_89334037)_(89383487_89484691)dup

Gene: ANKRD11 (ankyrin repeat domain 11; minus strand). Cytogenetic location: 16q24.3.
Variant type: Duplication.
Identifiers: ClinVar variation 4853703 (VCV004853703.1).

ClinVar aggregate classification (germline): Uncertain significance (1 of 4 stars; one submission).

Submission:

Women's Health and Genetics/Laboratory Corporation of America, LabCorp
Classification: Uncertain significance. Last evaluated: 2026-05-22. Review status: criteria provided, single submitter. Criteria: LabCorp Variant Classification Summary - May 2015. Collection method: clinical testing. Allele origin: germline.
Comment: Variant summary: The variant involves the duplication of exons 3-13 in the ANKRD11 gene. A presumed nomenclature of c.(-60+1_-59-1)_(*849_?)dup has been designated for the purposes of this classification. This duplication includes the entire coding sequence of the gene. As exact breakpoints are unknown, it may extend beyond the annotated region of the gene, to include other flanking genes. The variant was absent in 21694 control chromosomes. The available data on variant occurrences in the general population are insufficient to allow any conclusion about variant significance. To our knowledge, no occurrence of c.(-60+1_-59-1)_(*849_?)dup in individuals affected with ANKRD11-related conditions and no experimental evidence demonstrating its impact on protein function have been reported. No submitters have cited clinical-significance assessments for this variant to ClinVar. Based on the evidence outlined above, the variant was classified as uncertain significance.